The following is an entry in ClinVar:

ClinVar aggregate classification (germline): Uncertain significance (1 of 4 stars; one submission).

Allele frequency attached by ClinVar (database versions not stated): TOPMed below 0.00001; gnomAD exomes 0.00001; ExAC 0.00003.
gnomAD v4.1: 19 of 1,607,958 alleles (0.0012%); highest among the groups gnomAD compares: Middle Eastern, 0.17%; no homozygotes.

Submission:

Labcorp Genetics (formerly Invitae), Labcorp
Classification: Uncertain significance. Last evaluated: 2022-08-22. Review status: criteria provided, single submitter. Criteria: Invitae Variant Classification Sherloc (09022015). Collection method: clinical testing. Allele origin: germline.
Comment: This variant is present in population databases (rs770892656, gnomAD 0.01%). This variant has not been reported in the literature in individuals affected with PRMT7-related conditions. Algorithms developed to predict the effect of missense changes on protein structure and function (SIFT, PolyPhen-2, Align-GVGD) all suggest that this variant is likely to be tolerated. In summary, the available evidence is currently insufficient to determine the role of this variant in disease. Therefore, it has been classified as a Variant of Uncertain Significance. This sequence change replaces glutamic acid, which is acidic and polar, with lysine, which is basic and polar, at codon 560 of the PRMT7 protein (p.Glu560Lys).

NM_019023.5(PRMT7):c.1678G>A (p.Glu560Lys)

Gene: PRMT7 (protein arginine methyltransferase 7; plus strand). Cytogenetic location: 16q22.1.
Variant type: single nucleotide variant.
Coding change: c.1678G>A on transcript NM_019023.5 (MANE Select); coding-DNA position 1678, G replaced by A.
Protein change: p.Glu560Lys; replaces glutamic acid 560 with lysine.
Molecular consequence: missense variant. On other transcripts: non-coding transcript variant (12).
Genome position (GRCh38, 1-based): chr16:68,355,750, G>A. VCF-style: chr16-68355750-G-A. GRCh37 (hg19) VCF-style: chr16-68389653-G-A.
Other names: c.1528G>A, p.Glu510Lys (NM_001184824.4); c.1678G>A, p.Glu560Lys (NM_001290018.2, NM_001351143.3, NM_001378018.1); c.1681G>A, p.Glu561Lys (NM_001351144.3); c.1471G>A, p.Glu491Lys (NM_001378020.1); c.1441G>A, p.Glu481Lys (NM_001378021.1, NM_001378022.1, NM_001378023.1); short protein forms E481K, E491K, E510K, E560K, E561K.
Identifiers: ClinVar variation 2415274 (VCV002415274.6), dbSNP rs770892656, ClinGen allele CA8127609.
Genomic context (GRCh38, chr16:68,355,750, plus strand): 5'-CTCTGCAGCCCCCAGGCCCCCTTCTGTTCGCAGCGTGCCCTGGACTTCAGGGAGAGCAGG[G>A]AAGCTGAGCCCCACCCGCTGTGGGAGTACCCATGCCGCAGCCTCTCCGAGCCCTGGCAGA-3'
Protein context (NP_061896.1, residues 550-570): KRALDFRESR[Glu560Lys]AEPHPLWEYP